The following is an entry in ClinVar:

NM_000090.4(COL3A1):c.3640G>A (p.Gly1214Ser)

Gene: COL3A1 (collagen type III alpha 1 chain; plus strand). Cytogenetic location: 2q32.2.
Variant type: single nucleotide variant.
Coding change: c.3640G>A on transcript NM_000090.4 (MANE Select); coding-DNA position 3640, G replaced by A.
Protein change: p.Gly1214Ser; replaces glycine 1214 with serine.
Molecular consequence: missense variant.
Genome position (GRCh38, 1-based): chr2:189,009,038, G>A. VCF-style: chr2-189009038-G-A. GRCh37 (hg19) VCF-style: chr2-189873764-G-A.
Other names: short protein forms G1214S.
Identifiers: ClinVar variation 2121759 (VCV002121759.4), dbSNP rs2469166080, ClinGen allele CA349846825.

ClinVar aggregate classification (germline): Uncertain significance (1 of 4 stars; one submission).

Conditions:
Ehlers-Danlos syndrome, type 4 (EDSVASC). Also called: Ehlers-Danlos syndrome vascular type; Ehlers Danlos syndrome, ecchymotic type; Ehlers Danlos syndrome, arterial type; Ehlers Danlos syndrome, Sack-Barabas type; Ehlers-Danlos Syndrome Type IV. Identifiers: Orphanet 286, MedGen C0268338, MONDO:0017314, OMIM 130050.

Submission:

Labcorp Genetics (formerly Invitae), Labcorp
Classification: Uncertain significance for Ehlers-Danlos syndrome, type 4. Last evaluated: 2022-10-16. Review status: criteria provided, single submitter. Criteria: Invitae Variant Classification Sherloc (09022015). Collection method: clinical testing. Allele origin: germline.
Comment: This variant has not been reported in the literature in individuals affected with COL3A1-related conditions. In summary, the available evidence is currently insufficient to determine the role of this variant in disease. Therefore, it has been classified as a Variant of Uncertain Significance. Advanced modeling of protein sequence and biophysical properties (such as structural, functional, and spatial information, amino acid conservation, physicochemical variation, residue mobility, and thermodynamic stability) performed at Invitae indicates that this missense variant is not expected to disrupt COL3A1 protein function. This variant is not present in population databases (gnomAD no frequency). This sequence change replaces glycine, which is neutral and non-polar, with serine, which is neutral and polar, at codon 1214 of the COL3A1 protein (p.Gly1214Ser).